The following is an entry in ClinVar:

ClinVar aggregate classification (germline): Pathogenic (1 of 4 stars; one submission).

Conditions:
DICER1-related tumor predisposition. Also called: DICER1-related pleuropulmonary blastoma cancer predisposition syndrome; DICER1 syndrome. Identifiers: Orphanet 284343, MedGen C3839822, MONDO:0100216.

Submission:

Labcorp Genetics (formerly Invitae), Labcorp
Classification: Pathogenic for DICER1-related tumor predisposition. Last evaluated: 2024-11-28. Review status: criteria provided, single submitter. Criteria: Invitae Variant Classification Sherloc (09022015). Collection method: clinical testing. Allele origin: germline.
Comment: This sequence change creates a premature translational stop signal (p.Pro4Leufs*14) in the DICER1 gene. It is expected to result in an absent or disrupted protein product. Loss-of-function variants in DICER1 are known to be pathogenic (PMID: 19556464, 21266384). This variant is not present in population databases (gnomAD no frequency). This variant has not been reported in the literature in individuals affected with DICER1-related conditions. For these reasons, this variant has been classified as Pathogenic.

Literature cited by the submitters: PubMed 19556464; PubMed 21266384.

NM_177438.3(DICER1):c.11del (p.Pro4fs)

Gene: DICER1 (dicer 1, ribonuclease III; minus strand). Cytogenetic location: 14q32.13.
Variant type: Deletion.
Coding change: c.11del on transcript NM_177438.3 (MANE Select); coding-DNA position 11, one base deleted (C; older notation c.11delC).
Protein change: p.Pro4fs; shifts the reading frame from proline 4.
Molecular consequence: frameshift variant. On other transcripts: 5 prime UTR variant (8), non-coding transcript variant (6), intron variant (1).
Genome position (GRCh38, 1-based): chr14:95,133,448, G deleted on the plus strand (C on the coding strand, the reverse complement: DICER1 is on the minus strand); the first of 3 consecutive G bases (chr14:95,133,448-95,133,450); deleting any one gives the same sequence. VCF-style (leftmost placement, unchanged base first): chr14-95133447-AG-A. GRCh37 (hg19) VCF-style: chr14-95599784-AG-A.
Other names: c.11del, p.Pro4fs (NM_001195573.1, NM_001271282.3, NM_001291628.2 and 14 more transcripts); c.-264del (NM_001395686.1, NM_001395688.1, NM_001395689.1 and 3 more transcripts); c.-448del (NM_001395691.1); c.-1558del (NM_001395697.1); c.-130-771del (NM_001395687.1); short protein forms P4fs.
Identifiers: ClinVar variation 3653575 (VCV003653575.2).
Genomic context (GRCh38, chr14:95,133,447, plus strand): 5'-CATTGGTGAGGAAGCAGGGGTCATGAGCTGCAGGCCTGCCATGCTGAGGGGTTGCAAAGC[AG>A]GGCTTTTCATTCATCCAGTGTTTCTTTCATTGCATTTTTGTTCTAGCACAGCTTACTACA-3'